The following is an entry in ClinVar:

ClinVar aggregate classification (germline): Uncertain significance. Review status: criteria provided, multiple submitters, no conflicts (2 of 4 stars). 3 submissions from 3 submitters: Uncertain significance (3). Last evaluated 2023-05-20.

Conditions:
Amyotrophic lateral sclerosis type 5 (ALS5). Also called: AMYOTROPHIC LATERAL SCLEROSIS 5, JUVENILE. Identifiers: Orphanet 300605, MedGen C1865864, MONDO:0011196, OMIM 602099.
Hereditary spastic paraplegia 11. Also called: SPASTIC PARAPLEGIA, AUTOSOMAL RECESSIVE, COMPLICATED, WITH THIN CORPUS CALLOSUM; SPASTIC PARAPLEGIA, AUTOSOMAL RECESSIVE, WITH MENTAL IMPAIRMENT AND THIN CORPUS CALLOSUM; Spastic Paraplegia 11; Nakamura Osame syndrome; Autosomal recessive hereditary spastic paraplegia, mental impairment, and thin corpus callosum; Spastic paraplegia, mental retardation and thin corpus callosum. Identifiers: Orphanet 2822, MedGen C1858479, MONDO:0011445, OMIM 604360.
Charcot-Marie-Tooth disease axonal type 2X. Also called: CHARCOT-MARIE-TOOTH DISEASE, AXONAL, AUTOSOMAL RECESSIVE, TYPE 2X; CHARCOT-MARIE-TOOTH NEUROPATHY, TYPE 2X. Identifiers: Orphanet 466775, MedGen C5569024, MONDO:0014726, OMIM 616668.

Allele frequency attached by ClinVar (database versions not stated): 1000 Genomes Project 30x 0.00016.
gnomAD v4.1: 8 of 1,614,154 alleles (0.0005%); highest among the groups gnomAD compares: South Asian, 0.0088%; no homozygotes.

Submissions (3):

Neuberg Centre For Genomic Medicine, NCGM
Classification: Uncertain significance for Charcot-Marie-Tooth disease axonal type 2X. Last evaluated: 2023-05-20. Review status: criteria provided, single submitter. Criteria: ACMG Guidelines, 2015. Collection method: clinical testing. Allele origin: germline. Inheritance: Autosomal recessive inheritance. Affected: yes.
Comment: The observed missense variant c.4804G>A(p.Val1602Met) in SPG11 gene has not been reported previously as a pathogenic variantnor as a benign variant, to our knowledge. The c.4804G>A variant has 0.003% allele frequency in gnomAD Exomes. This variant hasbeen submitted to the ClinVar database as Uncertain Significance. However, no details are available for independentassessment.The amino acid Valine at position 1602 is changed to a Methionine changing protein sequence and it might alter itscomposition and physico-chemical properties. Computational evidence (Polyphen, SIFT and Mutation Taster) predicts conflictingevidence on protein structure and function for this variant.The amino acid change p.Val1602Met in SPG11 is predicted as conservedby GERP++ and PhyloP across 100 vertebrates. For these reasons, this variant has been classified as Uncertain Significance.

Labcorp Genetics (formerly Invitae), Labcorp
Classification: Uncertain significance for Hereditary spastic paraplegia 11. Last evaluated: 2021-08-28. Review status: criteria provided, single submitter. Criteria: Invitae Variant Classification Sherloc (09022015). Collection method: clinical testing. Allele origin: germline.
Comment: This sequence change replaces valine with methionine at codon 1602 of the SPG11 protein (p.Val1602Met). The valine residue is moderately conserved and there is a small physicochemical difference between valine and methionine. This variant is present in population databases (rs754536969, ExAC 0.03%). This variant has not been reported in the literature in individuals affected with SPG11-related conditions. Algorithms developed to predict the effect of missense changes on protein structure and function are either unavailable or do not agree on the potential impact of this missense change (SIFT: "Tolerated"; PolyPhen-2: "Possibly Damaging"; Align-GVGD: "Class C0"). In summary, the available evidence is currently insufficient to determine the role of this variant in disease. Therefore, it has been classified as a Variant of Uncertain Significance.

Fulgent Genetics
Classification: Uncertain significance for Amyotrophic lateral sclerosis type 5; Hereditary spastic paraplegia 11; Charcot-Marie-Tooth disease axonal type 2X. Last evaluated: 2021-07-28. Review status: criteria provided, single submitter. Criteria: ACMG Guidelines, 2015. Collection method: clinical testing. Allele origin: unknown.

NM_025137.4(SPG11):c.4804G>A (p.Val1602Met)

Gene: SPG11 (SPG11 vesicle trafficking associated, spatacsin; minus strand). Cytogenetic location: 15q21.1.
Variant type: single nucleotide variant.
Coding change: c.4804G>A on transcript NM_025137.4 (MANE Select); coding-DNA position 4804, G replaced by A.
Protein change: p.Val1602Met; replaces valine 1602 with methionine.
Molecular consequence: missense variant.
Genome position (GRCh38, 1-based): chr15:44,589,354, C>T on the plus strand (G>A on the coding strand, the complement: SPG11 is on the minus strand). VCF-style: chr15-44589354-C-T. GRCh37 (hg19) VCF-style: chr15-44881552-C-T.
Other names: c.4804G>A, p.Val1602Met (NM_001160227.2); short protein forms V1602M.
Identifiers: ClinVar variation 862214 (VCV000862214.9), dbSNP rs754536969, ClinGen allele CA7534575.